The following is an entry in ClinVar:

NM_000065.5(C6):c.823G>C (p.Gly275Arg)

Gene: C6 (complement C6; minus strand). Cytogenetic location: 5p13.1.
Variant type: single nucleotide variant.
Coding change: c.823G>C on transcript NM_000065.5 (MANE Select); coding-DNA position 823, G replaced by C.
Protein change: p.Gly275Arg; replaces glycine 275 with arginine.
Molecular consequence: missense variant.
Genome position (GRCh38, 1-based): chr5:41,181,463, C>G on the plus strand (G>C on the coding strand, the complement: C6 is on the minus strand). VCF-style: chr5-41181463-C-G. GRCh37 (hg19) VCF-style: chr5-41181565-C-G.
Other names: c.823G>C, p.Gly275Arg (NM_001115131.4); short protein forms G275R.
Identifiers: ClinVar variation 1484860 (VCV001484860.3), dbSNP rs140129534, ClinGen allele CA3252644.
Genomic context (GRCh38, chr5:41,181,463, plus strand): 5'-GGTTGATATTTTCACTTCTCTTTGAGGAATAAAAAATTGGTACACTGAAAGAGCTCCCCC[C>G]CTGACTTGAGAATGAGCCTTGTTGATTTTCATTGTGTCCAAGAGAAGTTAAATCCTTGTA-3'
Protein context (NP_000056.2, residues 265-285): ENQQGSFSSQ[Gly275Arg]GSSFSVPIFY

ClinVar aggregate classification (germline): Uncertain significance (1 of 4 stars; one submission).

Allele frequency attached by ClinVar (database versions not stated): 1000 Genomes Project 30x 0.00031; 1000 Genomes Project 0.00040; ESP Exome Variant Server 0.00069.
gnomAD v4.1: 918 of 1,613,734 alleles (0.057%); highest among the groups gnomAD compares: African/African-American, 0.14%; no homozygotes.

Submission:

Labcorp Genetics (formerly Invitae), Labcorp
Classification: Uncertain significance. Last evaluated: 2022-08-19. Review status: criteria provided, single submitter. Criteria: Invitae Variant Classification Sherloc (09022015). Collection method: clinical testing. Allele origin: germline.
Comment: This sequence change replaces glycine, which is neutral and non-polar, with arginine, which is basic and polar, at codon 275 of the C6 protein (p.Gly275Arg). This variant is present in population databases (rs140129534, gnomAD 0.1%). This variant has not been reported in the literature in individuals affected with C6-related conditions. ClinVar contains an entry for this variant (Variation ID: 1484860). Algorithms developed to predict the effect of missense changes on protein structure and function (SIFT, PolyPhen-2, Align-GVGD) all suggest that this variant is likely to be tolerated. In summary, the available evidence is currently insufficient to determine the role of this variant in disease. Therefore, it has been classified as a Variant of Uncertain Significance.